The following is an entry in ClinVar:

NM_007217.4(PDCD10):c.558-3C>G

Gene: PDCD10 (programmed cell death 10; minus strand). Cytogenetic location: 3q26.1.
Variant type: single nucleotide variant.
Coding change: c.558-3C>G on transcript NM_007217.4 (MANE Select); 3 bases into the intron before coding-DNA position 558, C replaced by G.
Molecular consequence: intron variant.
Genome position (GRCh38, 1-based): chr3:167,684,392, G>C on the plus strand (C>G on the coding strand, the complement: PDCD10 is on the minus strand). VCF-style: chr3-167684392-G-C. GRCh37 (hg19) VCF-style: chr3-167402180-G-C.
Other names: c.558-3C>G (NM_145860.2, NM_145859.2, NM_001439202.1 and 2 more transcripts).
Identifiers: ClinVar variation 4527890 (VCV004527890.2).
Genomic context (GRCh38, chr3:167,684,392, plus strand): 5'-AAGTATTAAGTTGGTTTGATGAATTAGTCGGTTGGCACTTACGAACACATTTATTGCCCT[G>C]TTTAAAAAGAAAAGAATAAGCATTAATTTCATCCAAAAAATTCACCCTTTTAAGATTTAT-3'

ClinVar aggregate classification (germline): Uncertain significance (1 of 4 stars; one submission).

Submission:

GeneDx
Classification: Uncertain significance. Last evaluated: 2025-12-19. Review status: criteria provided, single submitter. Criteria: GeneDx Variant Classification Process June 2021. Collection method: clinical testing. Allele origin: germline.
Comment: Not observed at significant frequency in large population cohorts (gnomAD); In silico analysis supports a deleterious effect on splicing; Has not been previously published as pathogenic or benign to our knowledge